The following is an entry in ClinVar:

ClinVar aggregate classification (germline): Conflicting classifications of pathogenicity. Review status: criteria provided, conflicting classifications (1 of 4 stars). 3 submissions from 3 submitters: Likely pathogenic (1); Uncertain significance (2). Last evaluated 2025-08-20.

Conditions:
Congenital dyserythropoietic anemia, type I. Also called: Dyserythropoietic anemia, congenital type 1. Identifiers: Orphanet 98869, MedGen C0271933, MONDO:0020337. Disease mechanism: loss of function.

Allele frequency attached by ClinVar (database versions not stated): gnomAD 0.00002 and 0.00004; gnomAD exomes 0.00004; TOPMed 0.00004; ExAC 0.00011; ESP Exome Variant Server 0.00023.
gnomAD v4.1: 95 of 1,587,550 alleles (0.006%); highest among the groups gnomAD compares: Non-Finnish European, 0.0071%; no homozygotes.

Submissions (3):

Mayo Clinic Laboratories, Mayo Clinic
Classification: Uncertain significance. Last evaluated: 2025-08-20. Review status: criteria provided, single submitter. Criteria: ACMG Guidelines, 2015. Collection method: clinical testing. Allele origin: germline. Observed: 1 variant allele.
Comment: PP3, PM2_supporting

Labcorp Genetics (formerly Invitae), Labcorp
Classification: Uncertain significance. Last evaluated: 2022-09-26. Review status: criteria provided, single submitter. Criteria: Invitae Variant Classification Sherloc (09022015). Collection method: clinical testing. Allele origin: germline.
Comment: This sequence change replaces arginine, which is basic and polar, with histidine, which is basic and polar, at codon 1067 of the CDAN1 protein (p.Arg1067His). This variant is present in population databases (rs146049960, gnomAD 0.007%). This missense change has been observed in individual(s) with Clinical features of congenital dyserythropoietic anemia (PMID: 33777192). ClinVar contains an entry for this variant (Variation ID: 988594). Algorithms developed to predict the effect of missense changes on protein structure and function are either unavailable or do not agree on the potential impact of this missense change (SIFT: "Tolerated"; PolyPhen-2: "Probably Damaging"; Align-GVGD: "Class C0"). In summary, the available evidence is currently insufficient to determine the role of this variant in disease. Therefore, it has been classified as a Variant of Uncertain Significance.

Research Laboratory of Clinical Virology, Ruijin Hospital
Classification: Likely pathogenic for Anemia, congenital dyserythropoietic, type 1a. Last evaluated: 2020-05-01. Review status: criteria provided, single submitter. Criteria: RLCV Human Variant Classification Assertion Criteria (ver202002). Collection method: clinical testing. Allele origin: paternal. Inheritance: Autosomal recessive inheritance. Affected: yes. Observed: 1 heterozygote.

Literature cited by the submitters: PubMed 33777192 (cited by Mayo Clinic Laboratories, Mayo Clinic and Labcorp Genetics (formerly Invitae), Labcorp).

NM_138477.4(CDAN1):c.3200G>A (p.Arg1067His)

Gene: CDAN1 (codanin 1; minus strand). Cytogenetic location: 15q15.2.
Variant type: single nucleotide variant.
Coding change: c.3200G>A on transcript NM_138477.4 (MANE Select); coding-DNA position 3200, G replaced by A.
Protein change: p.Arg1067His; replaces arginine 1067 with histidine.
Molecular consequence: missense variant.
Genome position (GRCh38, 1-based): chr15:42,726,314, C>T on the plus strand (G>A on the coding strand, the complement: CDAN1 is on the minus strand). VCF-style: chr15-42726314-C-T. GRCh37 (hg19) VCF-style: chr15-43018512-C-T.
Other names: p.Arg1067His; short protein forms R1067H.
Identifiers: ClinVar variation 988594 (VCV000988594.8), dbSNP rs146049960, ClinGen allele CA7515250.